The following is an entry in ClinVar:

NM_005384.3(NFIL3):c.76A>T (p.Met26Leu)

Gene: NFIL3 (nuclear factor, interleukin 3 regulated; minus strand). Cytogenetic location: 9q22.31.
Variant type: single nucleotide variant.
Coding change: c.76A>T on transcript NM_005384.3 (MANE Select); coding-DNA position 76, A replaced by T.
Protein change: p.Met26Leu; replaces methionine 26 with leucine.
Molecular consequence: missense variant.
Genome position (GRCh38, 1-based): chr9:91,410,659, T>A on the plus strand (A>T on the coding strand, the complement: NFIL3 is on the minus strand). VCF-style: chr9-91410659-T-A. GRCh37 (hg19) VCF-style: chr9-94172941-T-A.
Other names: c.76A>T, p.Met26Leu (NM_001289999.2, NM_001290000.2); short protein forms M26L.
Identifiers: ClinVar variation 3045909 (VCV003045909.2), dbSNP rs777304490, ClinGen allele CA5120159.

ClinVar aggregate classification (germline): Likely benign (0 of 4 stars; one submission).

Conditions:
NFIL3-related disorder. Also called: NFIL3-related condition.

Allele frequency attached by ClinVar (database versions not stated): gnomAD 0.00002; gnomAD exomes 0.00007; TOPMed 0.00011; ExAC 0.00038.
gnomAD v4.1: 97 of 1,613,946 alleles (0.006%); highest among the groups gnomAD compares: Admixed American, 0.16%; 1 homozygote.

Submission:

PreventionGenetics, part of Exact Sciences
Classification: Likely benign for NFIL3-related condition. Last evaluated: 2022-02-28. Review status: no assertion criteria provided. Collection method: clinical testing. Allele origin: germline.
Comment: This variant is classified as likely benign based on ACMG/AMP sequence variant interpretation guidelines (Richards et al. 2015 PMID: 25741868, with internal and published modifications).